The following is an entry in ClinVar:

ClinVar aggregate classification (germline): Benign/Likely benign. Review status: criteria provided, multiple submitters, no conflicts (2 of 4 stars). 4 submissions from 4 submitters: Benign (1); Likely benign (3). Last evaluated 2025-11-07.

Conditions:
Autosomal dominant childhood-onset proximal spinal muscular atrophy with contractures (SMALED2A). Also called: SPINAL MUSCULAR ATROPHY, LOWER EXTREMITY-PREDOMINANT, 2A, CHILDHOOD ONSET, AUTOSOMAL DOMINANT; Spinal muscular atrophy, lower extremity-predominant, 2A, autosomal dominant. Identifiers: Orphanet 363447, Orphanet 363454, MedGen C4747715, MONDO:0014121, OMIM 615290.

Allele frequency attached by ClinVar (database versions not stated): gnomAD 0.00006; TOPMed 0.00014; ESP Exome Variant Server 0.00015.
gnomAD v4.1: 374 of 1,593,950 alleles (0.023%); highest among the groups gnomAD compares: Non-Finnish European, 0.031%; no homozygotes.

Submissions (4):

Labcorp Genetics (formerly Invitae), Labcorp
Classification: Likely benign for Autosomal dominant childhood-onset proximal spinal muscular atrophy with contractures. Last evaluated: 2025-11-07. Review status: criteria provided, single submitter. Criteria: Invitae Variant Classification Sherloc (09022015). Collection method: clinical testing. Allele origin: germline.

Women's Health and Genetics/Laboratory Corporation of America, LabCorp
Classification: Benign. Last evaluated: 2025-09-26. Review status: criteria provided, single submitter. Criteria: LabCorp Variant Classification Summary - May 2015. Collection method: clinical testing. Allele origin: germline.

Blueprint Genetics
Classification: Likely benign. Last evaluated: 2024-10-07. Review status: criteria provided, single submitter. Criteria: ACMG Guidelines, 2015. Collection method: clinical testing. Allele origin: germline.

GeneDx
Classification: Likely benign. Last evaluated: 2017-10-17. Review status: criteria provided, single submitter. Criteria: GeneDx Variant Classification (06012015). Collection method: clinical testing. Allele origin: germline. Affected: yes.
Comment: This variant is considered likely benign or benign based on one or more of the following criteria: it is a conservative change, it occurs at a poorly conserved position in the protein, it is predicted to be benign by multiple in silico algorithms, and/or has population frequency not consistent with disease.

NM_001003800.2(BICD2):c.2258+18G>C

Gene: BICD2 (BICD cargo adaptor 2; minus strand). Cytogenetic location: 9q22.31.
Variant type: single nucleotide variant.
Coding change: c.2258+18G>C on transcript NM_001003800.2 (MANE Select); 18 bases into the intron after coding-DNA position 2258, G replaced by C.
Molecular consequence: intron variant.
Genome position (GRCh38, 1-based): chr9:92,717,779, C>G on the plus strand (G>C on the coding strand, the complement: BICD2 is on the minus strand). VCF-style: chr9-92717779-C-G. GRCh37 (hg19) VCF-style: chr9-95480061-C-G.
Other names: c.2258+18G>C (NM_015250.4).
Identifiers: ClinVar variation 512571 (VCV000512571.11), dbSNP rs376177099, ClinGen allele CA5126357.